The following is an entry in ClinVar:

NM_014231.5(VAMP1):c.340+2T>G

Genes: TAPBPL (TAP binding protein like; plus strand), VAMP1 (vesicle associated membrane protein 1; minus strand). Cytogenetic location: 12p13.31.
Variant type: single nucleotide variant.
Coding change: c.340+2T>G on transcript NM_014231.5 (MANE Select); the canonical splice donor site of the intron after coding-DNA position 340, T replaced by G.
Molecular consequence: splice donor variant. On other transcripts: missense variant (1).
Genome position (GRCh38, 1-based): chr12:6,464,888, A>C on the plus strand (T>G on the coding strand, the complement: VAMP1 is on the minus strand). VCF-style: chr12-6464888-A-C. GRCh37 (hg19) VCF-style: chr12-6574054-A-C.
Other names: IVS4AS, T-G, +2; c.342T>G, p.Ser114Arg (NM_199245.3); c.340+2T>G (NM_016830.4, NM_001297438.2); short protein forms S114R.
Identifiers: ClinVar variation 240888 (VCV000240888.15), dbSNP rs878854975, ClinGen allele CA10583055.
Genomic context (GRCh38, chr12:6,464,888, plus strand): 5'-AGGGAGAAGACTCCAGGACCTTCCCACCTCTTCACCCCACCAGCAACTTCAGCGATACTT[A>C]CTTACAATAACTACCACGATGATGGCACAGATGGCTCCCAGCATGATCATCATCTGAGGA-3'

ClinVar aggregate classification (germline): Pathogenic. Review status: criteria provided, multiple submitters, no conflicts (2 of 4 stars). 6 submissions from 6 submitters: Pathogenic (5). 1 of the submissions does not count toward it. Last evaluated 2025-10-19.

Conditions:
Spastic ataxia 1. Also called: Ataxia, spastic, 1, autosomal dominant. Identifiers: Orphanet 251282, MedGen C1970107, MONDO:0007164, OMIM 108600.
Myasthenic syndrome, congenital, 25, presynaptic. Also called: Myasthenic syndrome, congenital, 25. Identifiers: MedGen C5193027, MONDO:0032675, OMIM 618323.
VAMP1-related disorder. Also called: VAMP1-related condition; VAMP1-Related Disorders.
Spastic paraplegia. Identifiers: MedGen C0037772, HP:0001258.

Submissions (6):

Labcorp Genetics (formerly Invitae), Labcorp
Classification: Pathogenic for Spastic paraplegia. Last evaluated: 2025-10-19. Review status: criteria provided, single submitter. Criteria: Invitae Variant Classification Sherloc (09022015). Collection method: clinical testing. Allele origin: germline.
Comment: This sequence change affects a donor splice site in intron 4 of the VAMP1 gene. While this variant is not anticipated to result in nonsense mediated decay, it likely alters RNA splicing and results in a disrupted protein product. This variant is not present in population databases (gnomAD no frequency). Disruption of this splice site has been observed in individuals with hereditary spastic paraplegia (PMID: 22958904). It has also been observed to segregate with disease in related individuals. ClinVar contains an entry for this variant (Variation ID: 240888). Variants that disrupt the consensus splice site are a relatively common cause of aberrant splicing (PMID: 17576681, 9536098). Algorithms developed to predict the effect of sequence changes on RNA splicing suggest that this variant may disrupt the consensus splice site. For these reasons, this variant has been classified as Pathogenic.

GeneDx
Classification: Pathogenic. Last evaluated: 2025-01-22. Review status: criteria provided, single submitter. Criteria: GeneDx Variant Classification Process June 2021. Collection method: clinical testing. Allele origin: germline. Affected: yes.
Comment: Published functional studies demonstrate that this variant affects a critical donor site for the splicing of VAMP1 isoforms and results in an in-frame addition of 33 amino acids (PMID: 22958904); Not observed at significant frequency in large population cohorts (gnomAD); In silico analysis supports a deleterious effect on splicing; This variant is associated with the following publications: (PMID: 27957547, 11774073, 22958904, 38355957)

Blueprint Genetics
Classification: Pathogenic for VAMP1-related disorders. Last evaluated: 2024-09-19. Review status: criteria provided, single submitter. Criteria: ACMG Guidelines, 2015. Collection method: clinical testing. Allele origin: germline. Affected: yes. Observed: 3 variant alleles.

Fulgent Genetics
Classification: Pathogenic for Spastic ataxia 1; Myasthenic syndrome, congenital, 25, presynaptic. Last evaluated: 2024-01-12. Review status: criteria provided, single submitter. Criteria: ACMG Guidelines, 2015. Collection method: clinical testing. Allele origin: germline.

Athena Diagnostics
Classification: Pathogenic. Last evaluated: 2017-11-30. Review status: criteria provided, single submitter. Criteria: Athena Diagnostics Criteria. Collection method: clinical testing. Allele origin: germline.

OMIM
Classification: Pathogenic for SPASTIC ATAXIA 1, AUTOSOMAL DOMINANT. Last evaluated: 2012-09-07. Review status: no assertion criteria provided. Collection method: literature only. Allele origin: germline. Not counted in ClinVar's aggregate classification.

Literature cited by the submitters: PubMed 22958904 (cited by 3 submitters); PubMed 17576681 (cited by Labcorp Genetics (formerly Invitae), Labcorp); PubMed 9536098 (cited by Labcorp Genetics (formerly Invitae), Labcorp); PubMed 11774073 (cited by OMIM).